The following is an entry in ClinVar:

ClinVar aggregate classification (germline): Likely pathogenic (1 of 4 stars; one submission).

Conditions:
Hypercholesterolemia, autosomal dominant, 3 (FHCL3). Also called: Familial Hypercholesterolemia, Autosomal Dominant, 3; PCSK9-Related Familial Hypercholesterolemia, Autosomal Dominant; Familial hypercholesterolemia 3. Identifiers: MedGen C1863551, MONDO:0011369, OMIM 603776.

Submission:

Labcorp Genetics (formerly Invitae), Labcorp
Classification: Likely pathogenic for Hypercholesterolemia, autosomal dominant, 3. Last evaluated: 2021-08-04. Review status: criteria provided, single submitter. Criteria: Invitae Variant Classification Sherloc (09022015). Collection method: clinical testing. Allele origin: germline.
Comment: A copy number gain of the genomic region encompassing the full coding sequence of the PCSK9 gene has been identified. The boundaries of this event are unknown as they extend beyond the assayed region for this gene and therefore may encompass additional genes. As the precise location of this event is unknown, it may be in tandem or it may be located elsewhere in the genome. A similar copy number variant has been observed in individuals with familial hypercholesterolemia (PMID: 30269829). It has also been observed to segregate with disease in related individuals. In summary, the currently available evidence indicates that the variant is pathogenic, but additional data are needed to prove that conclusively. Therefore, this variant has been classified as Likely Pathogenic.

Literature cited by the submitters: PubMed 30269829.

NC_000001.10:g.(?_55464850)_(55530536_?)dup

Genes: BSND (barttin CLCNK type accessory subunit beta; plus strand), PCSK9 (proprotein convertase subtilisin/kexin type 9; plus strand). Cytogenetic location: 1p32.3.
Variant type: Duplication.
Identifiers: ClinVar variation 1068052 (VCV001068052.8).